The following is an entry in ClinVar:

ClinVar aggregate classification (germline): Uncertain significance (1 of 4 stars; one submission).

Conditions:
Hypercoagulability syndrome due to glycosylphosphatidylinositol deficiency (GPIBD1). Also called: GLYCOSYLPHOSPHATIDYLINOSITOL BIOSYNTHESIS DEFECT 1. Identifiers: Orphanet 83639, MedGen C5201145, MONDO:0012465, OMIM 610293.

Submission:

Labcorp Genetics (formerly Invitae), Labcorp
Classification: Uncertain significance for Hypercoagulability syndrome due to glycosylphosphatidylinositol deficiency. Last evaluated: 2022-11-15. Review status: criteria provided, single submitter. Criteria: Invitae Variant Classification Sherloc (09022015). Collection method: clinical testing. Allele origin: germline.
Comment: This sequence change replaces glutamine, which is neutral and polar, with proline, which is neutral and non-polar, at codon 406 of the PIGM protein (p.Gln406Pro). In summary, the available evidence is currently insufficient to determine the role of this variant in disease. Therefore, it has been classified as a Variant of Uncertain Significance. Advanced modeling of protein sequence and biophysical properties (such as structural, functional, and spatial information, amino acid conservation, physicochemical variation, residue mobility, and thermodynamic stability) performed at Invitae indicates that this missense variant is expected to disrupt PIGM protein function. This variant has not been reported in the literature in individuals affected with PIGM-related conditions. This variant is not present in population databases (gnomAD no frequency).

NM_145167.3(PIGM):c.1217A>C (p.Gln406Pro)

Gene: PIGM (phosphatidylinositol glycan anchor biosynthesis class M; minus strand). Cytogenetic location: 1q23.2.
Variant type: single nucleotide variant.
Coding change: c.1217A>C on transcript NM_145167.3 (MANE Select); coding-DNA position 1217, A replaced by C.
Protein change: p.Gln406Pro; replaces glutamine 406 with proline.
Molecular consequence: missense variant.
Genome position (GRCh38, 1-based): chr1:160,030,523, T>G on the plus strand (A>C on the coding strand, the complement: PIGM is on the minus strand). VCF-style: chr1-160030523-T-G. GRCh37 (hg19) VCF-style: chr1-160000313-T-G.
Other names: short protein forms Q406P.
Identifiers: ClinVar variation 1716499 (VCV001716499.6), dbSNP rs2525411382, ClinGen allele CA343235930.